The following is an entry in ClinVar:

ClinVar aggregate classification (germline): Uncertain significance (1 of 4 stars; one submission).

Conditions:
Hereditary cancer-predisposing syndrome. Also called: Neoplastic Syndromes, Hereditary; Tumor predisposition; Hereditary neoplastic syndrome; Hereditary Cancer Syndrome. Identifiers: Orphanet 140162, MedGen C0027672, MeSH D009386, MONDO:0015356.

Submission:

Ambry Genetics
Classification: Uncertain significance for Hereditary cancer-predisposing syndrome. Last evaluated: 2026-09-09. Review status: criteria provided, single submitter. Criteria: Ambry Variant Classification Scheme 2023. Collection method: clinical testing. Allele origin: germline.
Comment: The p.R120S variant (also known as c.360A>C), located in coding exon 3 of the APC gene, results from an A to C substitution at nucleotide position 360. The arginine at codon 120 is replaced by serine, an amino acid with dissimilar properties. This amino acid position is highly conserved in available vertebrate species. In addition, in silico predictors for this gene do not accurately predict pathogenicity. Missense variants in APC are not a common cause of disease (Spier I et al. Genet Med. 2024 Feb;26(2):100992). Based on the available evidence, the clinical significance of this variant remains unclear.

NM_000038.6(APC):c.360A>C (p.Arg120Ser)

Gene: APC (APC regulator of Wnt signaling pathway; plus strand). Cytogenetic location: 5q22.2.
Variant type: single nucleotide variant.
Coding change: c.360A>C on transcript NM_000038.6 (MANE Select); coding-DNA position 360, A replaced by C.
Protein change: p.Arg120Ser; replaces arginine 120 with serine.
Molecular consequence: missense variant. On other transcripts: 5 prime UTR variant (4), non-coding transcript variant (2).
Genome position (GRCh38, 1-based): chr5:112,767,328, A>C. VCF-style: chr5-112767328-A-C. GRCh37 (hg19) VCF-style: chr5-112103025-A-C.
Other names: c.360A>C, p.Arg120Ser (NM_001127510.3, NM_001354895.2, NM_001354896.2 and 16 more transcripts); c.390A>C, p.Arg130Ser (NM_001127511.3, NM_001354897.2, NM_001354902.2 and 1 more transcripts); c.285A>C, p.Arg95Ser (NM_001354898.2, NM_001354904.2, NM_001407451.1); c.183A>C, p.Arg61Ser (NM_001354900.2, NM_001354901.2, NM_001354905.2 and 1 more transcripts); c.-676A>C (NM_001354906.2, NM_001407470.1, NM_001407471.1 and 1 more transcripts); short protein forms R120S, R61S, R95S, R130S.
Identifiers: ClinVar variation 5026138 (VCV005026138.1).